The following is an entry in ClinVar:

NM_004260.4(RECQL4):c.2364T>G (p.His788Gln)

Gene: RECQL4 (RecQ like helicase 4; minus strand). Cytogenetic location: 8q24.3.
Variant type: single nucleotide variant.
Coding change: c.2364T>G on transcript NM_004260.4 (MANE Select); coding-DNA position 2364, T replaced by G.
Protein change: p.His788Gln; replaces histidine 788 with glutamine.
Molecular consequence: missense variant.
Genome position (GRCh38, 1-based): chr8:144,513,317, A>C on the plus strand (T>G on the coding strand, the complement: RECQL4 is on the minus strand). VCF-style: chr8-144513317-A-C. GRCh37 (hg19) VCF-style: chr8-145738700-A-C.
Other names: short protein forms H788Q.
Identifiers: ClinVar variation 575903 (VCV000575903.6), dbSNP rs1410031368, ClinGen allele CA372678278.

ClinVar aggregate classification (germline): Uncertain significance. Review status: criteria provided, multiple submitters, no conflicts (2 of 4 stars). 2 submissions from 2 submitters: Uncertain significance (2). Last evaluated 2025-01-24.

Conditions:
Baller-Gerold syndrome (BGS). Also called: CRANIOSYNOSTOSIS WITH RADIAL DEFECTS. Identifiers: Orphanet 1225, MedGen C0265308, MONDO:0009039, OMIM 218600.
Rothmund-Thomson syndrome type 2 (RTS2). Identifiers: Orphanet 221016, MedGen C5203410, MONDO:0016369, OMIM 268400.

Allele frequency attached by ClinVar (database versions not stated): gnomAD exomes below 0.00001; TOPMed 0.00001.
gnomAD v4.1: 3 of 1,602,214 alleles (0.00019%); highest among the groups gnomAD compares: Middle Eastern, 0.017%; no homozygotes.

Submissions (2):

Labcorp Genetics (formerly Invitae), Labcorp
Classification: Uncertain significance for Baller-Gerold syndrome. Last evaluated: 2025-01-24. Review status: criteria provided, single submitter. Criteria: Invitae Variant Classification Sherloc (09022015). Collection method: clinical testing. Allele origin: germline.
Comment: This sequence change replaces histidine, which is basic and polar, with glutamine, which is neutral and polar, at codon 788 of the RECQL4 protein (p.His788Gln). This variant is present in population databases (no rsID available, gnomAD 0.003%). This variant has not been reported in the literature in individuals affected with RECQL4-related conditions. ClinVar contains an entry for this variant (Variation ID: 575903). Invitae Evidence Modeling of protein sequence and biophysical properties (such as structural, functional, and spatial information, amino acid conservation, physicochemical variation, residue mobility, and thermodynamic stability) indicates that this missense variant is expected to disrupt RECQL4 protein function with a positive predictive value of 80%. In summary, the available evidence is currently insufficient to determine the role of this variant in disease. Therefore, it has been classified as a Variant of Uncertain Significance.

St. Jude Molecular Pathology, St. Jude Children's Research Hospital
Classification: Uncertain significance for Rothmund-Thomson syndrome type 2. Last evaluated: 2024-07-05. Review status: criteria provided, single submitter. Criteria: St. Jude Assertion Criteria 2020. Collection method: clinical testing. Allele origin: germline.
Comment: The RECQL4 c.2364T>G (p.His788Gln) missense change has a maximum subpopulation frequency of 0.017% in gnomAD v2.1.1. In silico tools are inconclusive about a pathogenic or benign effect of this variant on protein function, and to our knowledge functional studies have not been performed. To our knowledge, this variant has not been reported in individuals with RECQL4-associated conditions. In summary, the evidence currently available is insufficient to determine the clinical significance of this variant. It has therefore been classified as of uncertain significance.